The following is an entry in ClinVar:

ClinVar aggregate classification (germline): Likely benign (1 of 4 stars; one submission).

Submission:

CeGaT Center for Human Genetics Tuebingen
Classification: Likely benign. Last evaluated: 2026-09-01. Review status: criteria provided, single submitter. Criteria: CeGaT Center For Human Genetics Tuebingen Variant Classification Criteria Version 2. Collection method: clinical testing. Allele origin: germline. Affected: yes. Observed: 1 variant allele.
Comment: DHX9: PM2:Supporting, BP4, BP7

NM_001357.5(DHX9):c.2442C>G (p.Gly814=)

Gene: DHX9 (DExH-box helicase 9; plus strand). Cytogenetic location: 1q25.3.
Variant type: single nucleotide variant.
Coding change: c.2442C>G on transcript NM_001357.5 (MANE Select); coding-DNA position 2442, C replaced by G.
Protein change: p.Gly814=; no amino-acid change (glycine 814 retained).
Molecular consequence: synonymous variant. On other transcripts: non-coding transcript variant (1).
Genome position (GRCh38, 1-based): chr1:182,879,340, C>G. VCF-style: chr1-182879340-C-G. GRCh37 (hg19) VCF-style: chr1-182848475-C-G.
Identifiers: ClinVar variation 5041754 (VCV005041754.1).
Genomic context (GRCh38, chr1:182,879,340, plus strand): 5'-CCGAACACCATTGCATGAAATTGCTCTTAGCATAAAACTTCTGCGTCTAGGAGGAATTGG[C>G]CAATTTCTGGCCAAAGCAATTGAACCTCCCCCTTTGGATGCTGTGATTGAAGCAGAACAC-3'
Protein context (NP_001348.2, residues 804-824): SIKLLRLGGI[Gly814=]QFLAKAIEPP